The following is an entry in ClinVar:

NM_002185.5(IL7R):c.*3007A>G

Gene: IL7R (interleukin 7 receptor; plus strand). Cytogenetic location: 5p13.2.
Variant type: single nucleotide variant.
Coding change: c.*3007A>G on transcript NM_002185.5 (MANE Select); 3007 bases downstream of the stop codon, A replaced by G.
Molecular consequence: 3 prime UTR variant. On other transcripts: non-coding transcript variant (1).
Genome position (GRCh38, 1-based): chr5:35,879,493, A>G. VCF-style: chr5-35879493-A-G. GRCh37 (hg19) VCF-style: chr5-35879595-A-G.
Identifiers: ClinVar variation 907327 (VCV000907327.5), dbSNP rs700179, ClinGen allele CA12024453.

ClinVar aggregate classification (germline): Benign. Review status: criteria provided, multiple submitters, no conflicts (2 of 4 stars). 2 submissions from 2 submitters: Benign (2). Last evaluated 2018-01-13.

Conditions:
Immunodeficiency 104. Also called: Severe Combined Immune Deficiency, Autosomal Recessive, TCell -Negative, B Cell-Positive, NK Cell-Positive, IL7R-Related; Severe combined immunodeficiency, autosomal recessive, T cell-negative, B cell-positive, NK cell-positive; IMMUNODEFICIENCY 104, SEVERE COMBINED; SCID, AUTOSOMAL RECESSIVE, T CELL-NEGATIVE, B CELL-POSITIVE, NK CELL-POSITIVE. Identifiers: MedGen C5676890, MONDO:0012163, OMIM 608971.

Allele frequency attached by ClinVar (database versions not stated): gnomAD exomes 0.24524; 1000 Genomes Project 0.26458; 1000 Genomes Project 30x 0.27311; gnomAD 0.31035 and 0.31973; TOPMed 0.31240.
gnomAD v4.1: 66,843 of 231,678 alleles (29%); highest among the groups gnomAD compares: African/African-American, 46%; 10,841 homozygotes.

Submissions (2):

Illumina Laboratory Services, Illumina
Classification: Benign for Immunodeficiency 104. Last evaluated: 2018-01-13. Review status: criteria provided, single submitter. Criteria: ICSL Variant Classification Criteria 13 December 2019. Collection method: clinical testing. Allele origin: germline.
Comment: This variant was observed in the ICSL laboratory as part of a predisposition screen in an ostensibly healthy population. It had not been previously curated by ICSL or reported in the Human Gene Mutation Database (HGMD: prior to June 1st, 2018), and was therefore a candidate for classification through an automated scoring system. Utilizing variant allele frequency, disease prevalence and penetrance estimates, and inheritance mode, an automated score was calculated to assess if this variant is too frequent to cause the disease. Based on the score and internal cut-off values, a variant classified as benign is not then subjected to further curation. The score for this variant resulted in a classification of benign for this disease.

Breakthrough Genomics
Classification: Benign. Review status: criteria provided, single submitter. Criteria: ACMG Guidelines, 2015. Collection method: not provided. Allele origin: germline. Inheritance: Autosomal recessive inheritance. Affected: yes.